The following is an entry in ClinVar:

NM_001393586.1(MYO7B):c.312C>T (p.Ala104=)

Genes: MYO7B (myosin VIIB; plus strand), LOC105373609 (uncharacterized LOC105373609; minus strand). Cytogenetic location: 2q14.3.
Variant type: single nucleotide variant.
Coding change: c.312C>T on transcript NM_001393586.1 (MANE Select); coding-DNA position 312, C replaced by T.
Protein change: p.Ala104=; no amino-acid change (alanine 104 retained).
Molecular consequence: synonymous variant.
Genome position (GRCh38, 1-based): chr2:127,566,669, C>T. VCF-style: chr2-127566669-C-T. GRCh37 (hg19) VCF-style: chr2-128324244-C-T.
Other names: c.312C>T, p.Ala104= (NM_001080527.2).
Identifiers: ClinVar variation 3057678 (VCV003057678.2), dbSNP rs1202483924, ClinGen allele CA428620283.

ClinVar aggregate classification (germline): Likely benign (0 of 4 stars; one submission).

Conditions:
MYO7B-related disorder. Also called: MYO7B-related condition.

Allele frequency attached by ClinVar (database versions not stated): gnomAD 0.00002; gnomAD exomes 0.00002; TOPMed 0.00002.
gnomAD v4.1: 30 of 1,597,818 alleles (0.0019%); highest among the groups gnomAD compares: African/African-American, 0.0027%; no homozygotes.

Submission:

PreventionGenetics, part of Exact Sciences
Classification: Likely benign for MYO7B-related condition. Last evaluated: 2019-03-26. Review status: no assertion criteria provided. Collection method: clinical testing. Allele origin: germline.
Comment: This variant is classified as likely benign based on ACMG/AMP sequence variant interpretation guidelines (Richards et al. 2015 PMID: 25741868, with internal and published modifications).